The following is an entry in ClinVar:

NM_006648.4(WNK2):c.3187C>G (p.Pro1063Ala)

Gene: WNK2 (WNK lysine deficient protein kinase 2; plus strand). Cytogenetic location: 9q22.31.
Variant type: single nucleotide variant.
Coding change: c.3187C>G on transcript NM_006648.4 (MANE Select); coding-DNA position 3187, C replaced by G.
Protein change: p.Pro1063Ala; replaces proline 1063 with alanine.
Molecular consequence: missense variant.
Genome position (GRCh38, 1-based): chr9:93,261,934, C>G. VCF-style: chr9-93261934-C-G. GRCh37 (hg19) VCF-style: chr9-96024216-C-G.
Other names: c.3187C>G, p.Pro1063Ala (NM_001282394.3); short protein forms P1063A.
Identifiers: ClinVar variation 3981691 (VCV003981691.1).

ClinVar aggregate classification (germline): Uncertain significance (1 of 4 stars; one submission).

gnomAD v4.1: 1 of 1,610,264 alleles (0.000062%); highest among the groups gnomAD compares: Non-Finnish European, 0.000085%; no homozygotes.

Submission:

Ambry Genetics
Classification: Uncertain significance. Last evaluated: 2025-03-21. Review status: criteria provided, single submitter. Criteria: Ambry Variant Classification Scheme 2023. Collection method: clinical testing. Allele origin: germline.
Comment: The p.P1063A variant (also known as c.3187C>G), located in coding exon 12 of the WNK2 gene, results from a C to G substitution at nucleotide position 3187. The proline at codon 1063 is replaced by alanine, an amino acid with highly similar properties. This amino acid position is conserved. In addition, this alteration is predicted to be tolerated by in silico analysis. Based on the available evidence, the clinical significance of this variant remains unclear.